The following is an entry in ClinVar:

ClinVar aggregate classification (germline): Likely pathogenic (1 of 4 stars; one submission).

Conditions:
Autosomal recessive limb-girdle muscular dystrophy type 2J (LGMDR10). Also called: Limb-girdle muscular dystrophy, type 2J; MUSCULAR DYSTROPHY, LIMB-GIRDLE, AUTOSOMAL RECESSIVE 10. Identifiers: Orphanet 140922, MedGen C1837342, MONDO:0012127, OMIM 608807.
Dilated cardiomyopathy 1G (CMD1G). Identifiers: Orphanet 154, MedGen C1858763, MONDO:0011400, OMIM 604145.

Submission:

Labcorp Genetics (formerly Invitae), Labcorp
Classification: Likely pathogenic for Dilated cardiomyopathy 1G; Autosomal recessive limb-girdle muscular dystrophy type 2J. Last evaluated: 2023-02-17. Review status: criteria provided, single submitter. Criteria: Invitae Variant Classification Sherloc (09022015). Collection method: clinical testing. Allele origin: germline.
Comment: This variant is not present in population databases (gnomAD no frequency). This variant has not been reported in the literature in individuals affected with TTN-related conditions. This variant is located in the A band of TTN (PMID: 25589632). Truncating variants in this region are significantly overrepresented in patients affected with dilated cardiomyopathy (PMID: 25589632). Truncating variants in this region have also been reported in individuals affected with autosomal recessive centronuclear myopathy (PMID: 23975875). In summary, the currently available evidence indicates that the variant is pathogenic, but additional data are needed to prove that conclusively. Therefore, this variant has been classified as Likely Pathogenic. This sequence change creates a premature translational stop signal (p.Glu27269*) in the TTN gene. While this is not anticipated to result in nonsense mediated decay, it is expected to create a truncated TTN protein.

Literature cited by the submitters: PubMed 25589632; PubMed 23975875.

NM_001267550.2(TTN):c.81805G>T (p.Glu27269Ter)

Genes: TTN (titin; minus strand), TTN-AS1 (TTN antisense RNA 1; plus strand). Cytogenetic location: 2q31.2.
Variant type: single nucleotide variant.
Coding change: c.81805G>T on transcript NM_001267550.2 (MANE Select); coding-DNA position 81805, G replaced by T.
Protein change: p.Glu27269Ter; replaces glutamic acid 27269 with a stop codon.
Molecular consequence: nonsense.
Genome position (GRCh38, 1-based): chr2:178,564,327, C>A on the plus strand (G>T on the coding strand, the complement: TTN is on the minus strand). VCF-style: chr2-178564327-C-A. GRCh37 (hg19) VCF-style: chr2-179429054-C-A.
Other names: c.76882G>T, p.Glu25628Ter (NM_001256850.1); c.54610G>T, p.Glu18204Ter (NM_003319.4); c.74101G>T, p.Glu24701Ter (NM_133378.4); c.54985G>T, p.Glu18329Ter (NM_133432.3); c.55186G>T, p.Glu18396Ter (NM_133437.4); short protein forms E27269*, E18204*, E24701*, E18396*, E25628*, E18329*.
Identifiers: ClinVar variation 2020828 (VCV002020828.4), dbSNP rs2468202435, ClinGen allele CA349577740.